The following is an entry in ClinVar:

NM_001044.5(SLC6A3):c.653+5G>A

Gene: SLC6A3 (solute carrier family 6 member 3). Cytogenetic location: 5p15.33.
Variant type: single nucleotide variant.
Coding change: c.653+5G>A on transcript NM_001044.5 (MANE Select); 5 bases into the intron after coding-DNA position 653, G replaced by A.
Molecular consequence: intron variant.
Genome position (GRCh38, 1-based): chr5:1,432,459, C>T on the plus strand (G>A on the coding strand, the complement: SLC6A3 is on the minus strand). VCF-style: chr5-1432459-C-T. GRCh37 (hg19) VCF-style: chr5-1432574-C-T.
Identifiers: ClinVar variation 845591 (VCV000845591.8), dbSNP rs1756726188, ClinGen allele CA916082683.

ClinVar aggregate classification (germline): Uncertain significance (1 of 4 stars; one submission).

Conditions:
Parkinsonism-dystonia, infantile. Identifiers: Orphanet 238455, MedGen C2751067, MONDO:0013150.

Allele frequency attached by ClinVar (database versions not stated): gnomAD exomes below 0.00001.
gnomAD v4.1: 1 of 1,611,208 alleles (0.000062%); highest among the groups gnomAD compares: Non-Finnish European, 0.000085%; no homozygotes.

Submission:

Labcorp Genetics (formerly Invitae), Labcorp
Classification: Uncertain significance for Parkinsonism-dystonia, infantile. Last evaluated: 2019-04-22. Review status: criteria provided, single submitter. Criteria: Invitae Variant Classification Sherloc (09022015). Collection method: clinical testing. Allele origin: germline.
Comment: Nucleotide substitutions within the consensus splice site are a relatively common cause of aberrant splicing (PMID: 17576681, 9536098). Algorithms developed to predict the effect of sequence changes on RNA splicing suggest that this variant may disrupt the consensus splice site, but this prediction has not been confirmed by published transcriptional studies. This sequence change falls in intron 4 of the SLC6A3 gene. It does not directly change the encoded amino acid sequence of the SLC6A3 protein, but it affects a nucleotide within the consensus splice site of the intron. This variant is not present in population databases (ExAC no frequency). This variant has not been reported in the literature in individuals with SLC6A3-related conditions. In summary, the available evidence is currently insufficient to determine the role of this variant in disease. Therefore, it has been classified as a Variant of Uncertain Significance.

Literature cited by the submitters: PubMed 17576681; PubMed 9536098.